The following is an entry in ClinVar:

NM_001365999.1(SZT2):c.4012G>A (p.Asp1338Asn)

Gene: SZT2 (SZT2 subunit of KICSTOR complex; plus strand). Cytogenetic location: 1p34.2.
Variant type: single nucleotide variant.
Coding change: c.4012G>A on transcript NM_001365999.1 (MANE Select); coding-DNA position 4012, G replaced by A.
Protein change: p.Asp1338Asn; replaces aspartic acid 1338 with asparagine.
Molecular consequence: missense variant.
Genome position (GRCh38, 1-based): chr1:43,428,332, G>A. VCF-style: chr1-43428332-G-A. GRCh37 (hg19) VCF-style: chr1-43894003-G-A.
Other names: c.3841G>A, p.Asp1281Asn (NM_015284.4); short protein forms D1338N, D1281N.
Identifiers: ClinVar variation 1512045 (VCV001512045.8), dbSNP rs921605039, ClinGen allele CA21635020.

ClinVar aggregate classification (germline): Uncertain significance (1 of 4 stars; one submission).

Allele frequency attached by ClinVar (database versions not stated): gnomAD exomes below 0.00001 and 0.00001; gnomAD 0.00001.
gnomAD v4.1: 9 of 1,614,052 alleles (0.00056%); highest among the groups gnomAD compares: Non-Finnish European, 0.00076%; no homozygotes.

Submission:

Labcorp Genetics (formerly Invitae), Labcorp
Classification: Uncertain significance. Last evaluated: 2022-08-31. Review status: criteria provided, single submitter. Criteria: Invitae Variant Classification Sherloc (09022015). Collection method: clinical testing. Allele origin: germline.
Comment: This variant is present in population databases (no rsID available, gnomAD 0.0009%). In summary, the available evidence is currently insufficient to determine the role of this variant in disease. Therefore, it has been classified as a Variant of Uncertain Significance. Algorithms developed to predict the effect of missense changes on protein structure and function are either unavailable or do not agree on the potential impact of this missense change (SIFT: "Deleterious"; PolyPhen-2: "Probably Damaging"; Align-GVGD: "Class C0"). ClinVar contains an entry for this variant (Variation ID: 1512045). This variant has not been reported in the literature in individuals affected with SZT2-related conditions. This sequence change replaces aspartic acid, which is acidic and polar, with asparagine, which is neutral and polar, at codon 1281 of the SZT2 protein (p.Asp1281Asn).